The following is an entry in ClinVar:

ClinVar aggregate classification (germline): Pathogenic. Review status: criteria provided, multiple submitters, no conflicts (2 of 4 stars). 4 submissions from 3 submitters: Pathogenic (4). Last evaluated 2023-04-11.

Conditions:
Leber congenital amaurosis 8 (LCA8). Identifiers: Orphanet 65, MedGen C3151202, MONDO:0013453, OMIM 613835.
Retinitis pigmentosa 12 (RP12). Also called: RP WITH OR WITHOUT PPRPE; RP WITH OR WITHOUT PRESERVED PARAARTERIOLE RETINAL PIGMENT EPITHELIUM; RETINITIS PIGMENTOSA WITH OR WITHOUT PARAARTERIOLAR PRESERVATION OF RETINAL PIGMENT EPITHELIUM. Identifiers: Orphanet 791, MedGen C1838647, MONDO:0010818, OMIM 600105.

Allele frequency attached by ClinVar (database versions not stated): gnomAD exomes below 0.00001.

Submissions (4):

Genome-Nilou Lab
Classification: Pathogenic for Leber congenital amaurosis 8. Last evaluated: 2023-04-11. Review status: criteria provided, single submitter. Criteria: ACMG Guidelines, 2015. Collection method: clinical testing. Allele origin: germline. Affected: no.

Genome-Nilou Lab
Classification: Pathogenic for Retinitis pigmentosa 12. Last evaluated: 2023-04-11. Review status: criteria provided, single submitter. Criteria: ACMG Guidelines, 2015. Collection method: clinical testing. Allele origin: germline. Affected: no.

Labcorp Genetics (formerly Invitae), Labcorp
Classification: Pathogenic for Leber congenital amaurosis 8; Retinitis pigmentosa 12. Last evaluated: 2022-05-30. Review status: criteria provided, single submitter. Criteria: Invitae Variant Classification Sherloc (09022015). Collection method: clinical testing. Allele origin: germline.
Comment: This variant is not present in population databases (gnomAD no frequency). For these reasons, this variant has been classified as Pathogenic. ClinVar contains an entry for this variant (Variation ID: 1275767). This variant has not been reported in the literature in individuals affected with CRB1-related conditions. This sequence change creates a premature translational stop signal (p.Cys45*) in the CRB1 gene. It is expected to result in an absent or disrupted protein product. Loss-of-function variants in CRB1 are known to be pathogenic (PMID: 10508521, 22065545, 23379534, 25412400, 26957898, 28041643, 29391521).

Institute of Medical Genetics and Applied Genomics, University Hospital Tübingen
Classification: Pathogenic. Last evaluated: 2021-09-15. Review status: criteria provided, single submitter. Criteria: ACMG Guidelines, 2015. Collection method: clinical testing. Allele origin: germline. Inheritance: Autosomal recessive inheritance. Affected: yes.

Literature cited by the submitters: PubMed 10508521 (cited by Labcorp Genetics (formerly Invitae), Labcorp); PubMed 22065545 (cited by Labcorp Genetics (formerly Invitae), Labcorp); PubMed 23379534 (cited by Labcorp Genetics (formerly Invitae), Labcorp); PubMed 25412400 (cited by Labcorp Genetics (formerly Invitae), Labcorp); PubMed 26957898 (cited by Labcorp Genetics (formerly Invitae), Labcorp); PubMed 28041643 (cited by Labcorp Genetics (formerly Invitae), Labcorp); PubMed 29391521 (cited by Labcorp Genetics (formerly Invitae), Labcorp).

NM_201253.3(CRB1):c.134_135del (p.Thr44_Cys45insTer)

Gene: CRB1 (crumbs cell polarity complex component 1; plus strand). Cytogenetic location: 1q31.3.
Variant type: Deletion.
Coding change: c.134_135del on transcript NM_201253.3 (MANE Select); coding-DNA positions 134 to 135, 2 bases deleted (GC; older notation c.134_135delGC).
Protein change: p.Thr44_Cys45insTer.
Molecular consequence: nonsense. On other transcripts: 5 prime UTR variant (1), non-coding transcript variant (2).
Genome position (GRCh38, 1-based): chr1:197,328,485-197,328,486, GC deleted. VCF-style (leftmost placement, unchanged base first): chr1-197328484-TGC-T. GRCh37 (hg19) VCF-style: chr1-197297614-TGC-T.
Other names: c.134_135del, p.Thr44_Cys45insTer (NM_001193640.2, NM_001257966.2); c.-74_-73del (NM_001257965.2).
Identifiers: ClinVar variation 1275767 (VCV001275767.7), dbSNP rs2125303672, ClinGen allele CA2499214374.